The following is an entry in ClinVar:

ClinVar aggregate classification (germline): Likely benign. Review status: criteria provided, single submitter (1 of 4 stars). 2 submissions from 2 submitters: Likely benign (1). 1 of the submissions does not count toward it. Last evaluated 2025-01-09.

Conditions:
SETD1A-related disorder. Also called: SETD1A-related condition.
Inborn genetic diseases. Identifiers: MedGen C0950123, MeSH D030342.

Allele frequency attached by ClinVar (database versions not stated): TOPMed 0.00005; ExAC 0.00006; ESP Exome Variant Server 0.00008; gnomAD 0.00008; gnomAD exomes 0.00010.

Submissions (2):

Ambry Genetics
Classification: Likely benign for Inborn genetic diseases. Last evaluated: 2025-01-09. Review status: criteria provided, single submitter. Criteria: Ambry Variant Classification Scheme 2023. Collection method: clinical testing. Allele origin: germline.

PreventionGenetics, part of Exact Sciences
Classification: Likely benign for SETD1A-related condition. Last evaluated: 2021-02-15. Review status: no assertion criteria provided. Collection method: clinical testing. Allele origin: germline. Not counted in ClinVar's aggregate classification.
Comment: This variant is classified as likely benign based on ACMG/AMP sequence variant interpretation guidelines (Richards et al. 2015 PMID: 25741868, with internal and published modifications).

NM_014712.3(SETD1A):c.1547A>G (p.Asn516Ser)

Gene: SETD1A (SET domain containing 1A, histone lysine methyltransferase; plus strand). Cytogenetic location: 16p11.2.
Variant type: single nucleotide variant.
Coding change: c.1547A>G on transcript NM_014712.3 (MANE Select); coding-DNA position 1547, A replaced by G.
Protein change: p.Asn516Ser; replaces asparagine 516 with serine.
Molecular consequence: missense variant.
Genome position (GRCh38, 1-based): chr16:30,965,289, A>G. VCF-style: chr16-30965289-A-G. GRCh37 (hg19) VCF-style: chr16-30976610-A-G.
Other names: c.1547A>G (NM_014712.1); short protein forms N516S.
Identifiers: ClinVar variation 3031795 (VCV003031795.3), dbSNP rs200626417, ClinGen allele CA8016691.
Genomic context (GRCh38, chr16:30,965,289, plus strand): 5'-TGAAGGAGCAGCGCTCCAAGTTTTCCTTCTTGGCCTCTGACACAGAGGAGGAGGAAGAGA[A>G]CAGCAGCATGGTCCTTGGGGCCAGAGATACAGGGAGTGAGGTGCCTTCTGGGTCAGGGCA-3'
Protein context (NP_055527.1, residues 506-526): LASDTEEEEE[Asn516Ser]SSMVLGARDT